The following is an entry in ClinVar:

ClinVar aggregate classification (germline): Uncertain significance. Review status: criteria provided, multiple submitters, no conflicts (2 of 4 stars). 2 submissions from 2 submitters: Uncertain significance (2). Last evaluated 2025-07-03.

Conditions:
Hereditary cancer-predisposing syndrome. Also called: Neoplastic Syndromes, Hereditary; Tumor predisposition; Hereditary Cancer Syndrome; Hereditary neoplastic syndrome. Identifiers: Orphanet 140162, MedGen C0027672, MeSH D009386, MONDO:0015356.
DICER1-related tumor predisposition. Also called: DICER1-related pleuropulmonary blastoma cancer predisposition syndrome; DICER1 syndrome. Identifiers: Orphanet 284343, MedGen C3839822, MONDO:0100216.

Submissions (2):

Ambry Genetics
Classification: Uncertain significance for Hereditary cancer-predisposing syndrome. Last evaluated: 2025-07-03. Review status: criteria provided, single submitter. Criteria: Ambry Variant Classification Scheme 2023. Collection method: clinical testing. Allele origin: germline.
Comment: The p.L460V variant (also known as c.1378T>G), located in coding exon 8 of the DICER1 gene, results from a T to G substitution at nucleotide position 1378. The leucine at codon 460 is replaced by valine, an amino acid with highly similar properties. This amino acid position is conserved. In addition, the in silico prediction for this alteration is inconclusive. Based on the available evidence, the clinical significance of this variant remains unclear.

Labcorp Genetics (formerly Invitae), Labcorp
Classification: Uncertain significance for DICER1-related tumor predisposition. Last evaluated: 2022-02-02. Review status: criteria provided, single submitter. Criteria: Invitae Variant Classification Sherloc (09022015). Collection method: clinical testing. Allele origin: germline.
Comment: This sequence change replaces leucine, which is neutral and non-polar, with valine, which is neutral and non-polar, at codon 460 of the DICER1 protein (p.Leu460Val). In summary, the available evidence is currently insufficient to determine the role of this variant in disease. Therefore, it has been classified as a Variant of Uncertain Significance. Algorithms developed to predict the effect of missense changes on protein structure and function are either unavailable or do not agree on the potential impact of this missense change (SIFT: "Deleterious"; PolyPhen-2: "Probably Damaging"; Align-GVGD: "Class C0"). This variant has not been reported in the literature in individuals affected with DICER1-related conditions. This variant is not present in population databases (gnomAD no frequency).

NM_177438.3(DICER1):c.1378T>G (p.Leu460Val)

Gene: DICER1 (dicer 1, ribonuclease III; minus strand). Cytogenetic location: 14q32.13.
Variant type: single nucleotide variant.
Coding change: c.1378T>G on transcript NM_177438.3 (MANE Select); coding-DNA position 1378, T replaced by G.
Protein change: p.Leu460Val; replaces leucine 460 with valine.
Molecular consequence: missense variant. On other transcripts: non-coding transcript variant (6), 5 prime UTR variant (1).
Genome position (GRCh38, 1-based): chr14:95,117,753, A>C on the plus strand (T>G on the coding strand, the complement: DICER1 is on the minus strand). VCF-style: chr14-95117753-A-C. GRCh37 (hg19) VCF-style: chr14-95584090-A-C.
Other names: c.1378T>G, p.Leu460Val (NM_030621.4, NM_001195573.1, NM_001271282.3 and 13 more transcripts); c.1096T>G, p.Leu366Val (NM_001395686.1); c.973T>G, p.Leu325Val (NM_001395687.1, NM_001395688.1, NM_001395689.1 and 3 more transcripts); c.811T>G, p.Leu271Val (NM_001395691.1); c.-191T>G (NM_001395697.1); short protein forms L325V, L271V, L366V, L460V.
Identifiers: ClinVar variation 2182678 (VCV002182678.5), dbSNP rs2140138937, ClinGen allele CA390885702.